The following is an entry in ClinVar:

ClinVar aggregate classification (germline): Pathogenic (1 of 4 stars; one submission).

Conditions:
Autosomal dominant hypohidrotic ectodermal dysplasia. Also called: Autosomal dominant hypohidrotic ectodermal dysplasia syndrome. Identifiers: Orphanet 1810, MedGen C0265331, MONDO:0015884.

Submission:

Laboratory for Molecular Medicine, Mass General Brigham Personalized Medicine
Classification: Pathogenic for Autosomal dominant hypohidrotic ectodermal dysplasia syndrome. Last evaluated: 2015-03-09. Review status: criteria provided, single submitter. Criteria: LMM Criteria. Collection method: clinical testing. Allele origin: germline. Inheritance: Autosomal dominant inheritance. Observed: 1 variant allele.
Comment: The deletion of exons 6 through 9 of the EDAR gene has not been previously ident ified in individuals with hypohidrotic ectodermal dysplasia (HED), and was absen t from large population studies. This alteration is predicted to lead to a trunc ated or absent protein. Other deletions or loss of function variants have been r eported in individuals with HED and loss of function of the EDAR gene is an esta blished disease mechanism in individuals with HED. In summary, this variant meet s our criteria to be classified as pathogenic for HED (ersonalizedmedicine/LMM).

NC_000002.12:g.(?_108910426)_(108912698_?)del

Genes: EDAR (ectodysplasin A receptor; minus strand), RANBP2 (RAN binding protein 2; plus strand). Cytogenetic location: 2q13.
Variant type: Deletion.
Identifiers: ClinVar variation 228341 (VCV000228341.4).